The following is an entry in ClinVar:

ClinVar aggregate classification (germline): Benign/Likely benign. Review status: criteria provided, multiple submitters, no conflicts (2 of 4 stars). 2 submissions from 2 submitters: Benign (1); Likely benign (1). Last evaluated 2023-07-07.

Conditions:
Diaphyseal medullary stenosis-bone malignancy syndrome. Also called: MYOPATHY, LIMB-GIRDLE, WITH BONE FRAGILITY; BONE DYSPLASIA WITH MALIGNANT FIBROUS HISTIOCYTOMA; BONE DYSPLASIA WITH MEDULLARY FIBROSARCOMA. Identifiers: Orphanet 85182, MedGen C1862177, MONDO:0007205, OMIM 112250.

Allele frequency attached by ClinVar (database versions not stated): gnomAD exomes 0.00004 and 0.00015; ExAC 0.00012; TOPMed 0.00012; ESP Exome Variant Server 0.00023; gnomAD 0.00025; 1000 Genomes Project 30x 0.00031; 1000 Genomes Project 0.00040.
gnomAD v4.1: 98 of 1,602,346 alleles (0.0061%); highest among the groups gnomAD compares: East Asian, 0.072%; no homozygotes.

Submissions (2):

KCCC/NGS Laboratory, Kuwait Cancer Control Center
Classification: Likely benign for Diaphyseal medullary stenosis-bone malignancy syndrome. Last evaluated: 2023-07-07. Review status: criteria provided, single submitter. Criteria: ACMG Guidelines, 2015. Collection method: clinical testing. Allele origin: germline. Affected: yes.

Illumina Laboratory Services, Illumina
Classification: Benign for Diaphyseal medullary stenosis-bone malignancy syndrome. Last evaluated: 2018-01-12. Review status: criteria provided, single submitter. Criteria: ICSL Variant Classification Criteria 13 December 2019. Collection method: clinical testing. Allele origin: germline.
Comment: This variant was observed in the ICSL laboratory as part of a predisposition screen in an ostensibly healthy population. It had not been previously curated by ICSL or reported in the Human Gene Mutation Database (HGMD: prior to June 1st, 2018), and was therefore a candidate for classification through an automated scoring system. Utilizing variant allele frequency, disease prevalence and penetrance estimates, and inheritance mode, an automated score was calculated to assess if this variant is too frequent to cause the disease. Based on the score and internal cut-off values, a variant classified as benign is not then subjected to further curation. The score for this variant resulted in a classification of benign for this disease.

NM_002451.4(MTAP):c.179+12T>A

Gene: MTAP (methylthioadenosine phosphorylase; plus strand). Cytogenetic location: 9p21.3.
Variant type: single nucleotide variant.
Coding change: c.179+12T>A on transcript NM_002451.4 (MANE Select); 12 bases into the intron after coding-DNA position 179, T replaced by A.
Molecular consequence: intron variant.
Genome position (GRCh38, 1-based): chr9:21,816,784, T>A. VCF-style: chr9-21816784-T-A. GRCh37 (hg19) VCF-style: chr9-21816783-T-A.
Identifiers: ClinVar variation 366239 (VCV000366239.6), dbSNP rs369294437, ClinGen allele CA5011759.